The following is an entry in ClinVar:

NM_007294.4(BRCA1):c.5350G>A (p.Val1784Ile)

Gene: BRCA1 (BRCA1 DNA repair associated; minus strand). Cytogenetic location: 17q21.31.
Variant type: single nucleotide variant.
Coding change: c.5350G>A on transcript NM_007294.4 (MANE Select); coding-DNA position 5350, G replaced by A.
Protein change: p.Val1784Ile; replaces valine 1784 with isoleucine.
Molecular consequence: missense variant. On other transcripts: non-coding transcript variant (1), intron variant (1).
Genome position (GRCh38, 1-based): chr17:43,049,177, C>T on the plus strand (G>A on the coding strand, the complement: BRCA1 is on the minus strand). VCF-style: chr17-43049177-C-T. GRCh37 (hg19) VCF-style: chr17-41201194-C-T.
Other names: p.Val1784Ile; c.5137G>A, p.Val1713Ile (NM_001407571.1, NM_001407894.1, NM_001407895.1 and 12 more transcripts); c.5416G>A, p.Val1806Ile (NM_001407581.1, NM_001407582.1); c.5347G>A, p.Val1783Ile (NM_001407617.1, NM_001407618.1, NM_001407619.1 and 14 more transcripts); c.5344G>A, p.Val1782Ile (NM_001407636.1, NM_001407637.1, NM_001407638.1 and 13 more transcripts); c.5341G>A, p.Val1781Ile (NM_001407644.1, NM_001407645.1); c.5338G>A, p.Val1780Ile (NM_001407646.1); c.5269G>A, p.Val1757Ile (NM_001407658.1, NM_001407656.1, NM_001407657.1); and 74 more; short protein forms V1784I, V680I, V1737I, V1805I, V1615I, V1630I, V1656I, V1671I.
Identifiers: ClinVar variation 409303 (VCV000409303.16), dbSNP rs1060502328, ClinGen allele CA10590763.
Genomic context (GRCh38, chr17:43,049,177, plus strand): 5'-TTACTGTGCCAAGGGTGAATGATGAAAGCTCCTTCACCACAGAAGCACCACACAGCTGTA[C>T]CATCCATTCCAGTTGATCTAAAATGGACATTTAGATGTAAAATCACTGCAGTAATCTGCA-3'
Protein context (NP_009225.1, residues 1774-1794): NMPTDQLEWM[Val1784Ile]QLCGASVVKE

ClinVar aggregate classification (germline): Conflicting classifications of pathogenicity. Review status: criteria provided, conflicting classifications (1 of 4 stars). 5 submissions from 5 submitters: Uncertain significance (2); Likely benign (2). 1 of the submissions does not count toward it. Last evaluated 2025-12-10.

Conditions:
Breast-ovarian cancer, familial, susceptibility to, 1 (BROVCA1). Also called: BRCA1 Hereditary Breast and Ovarian Cancer; OVARIAN CANCER, SUSCEPTIBILITY TO. Identifiers: Orphanet 145, MedGen C2676676, MONDO:0011450, OMIM 604370. Disease mechanism: loss of function.
Pancreatic cancer, susceptibility to, 4. Identifiers: Orphanet 1333, MedGen C3280442, MONDO:0013685, OMIM 614320.
Fanconi anemia, complementation group S (FANCS). Identifiers: MedGen C4554406, MONDO:0054748, OMIM 617883.
Hereditary breast ovarian cancer syndrome. Also called: Hereditary breast and ovarian cancer syndrome; Breast and ovarian cancer; Hereditary breast and ovarian cancer syndrome (HBOC); Hereditary breast and/or ovarian cancer syndrome; BRCA1- and BRCA2-Associated Hereditary Breast and Ovarian Cancer; Hereditary breast and ovarian cancer. Identifiers: Orphanet 145, MedGen C0677776, MeSH D061325, MONDO:0003582. Disease mechanism: loss of function.
Hereditary cancer-predisposing syndrome. Also called: Neoplastic Syndromes, Hereditary; Hereditary neoplastic syndrome; Hereditary Cancer Syndrome; Tumor predisposition. Identifiers: Orphanet 140162, MedGen C0027672, MeSH D009386, MONDO:0015356.

Submissions (6):

Labcorp Genetics (formerly Invitae), Labcorp
Classification: Uncertain significance for Hereditary breast ovarian cancer syndrome. Last evaluated: 2025-12-10. Review status: criteria provided, single submitter. Criteria: Invitae Variant Classification Sherloc (09022015). Collection method: clinical testing. Allele origin: germline.
Comment: This sequence change replaces valine, which is neutral and non-polar, with isoleucine, which is neutral and non-polar, at codon 1784 of the BRCA1 protein (p.Val1784Ile). This variant is not present in population databases (gnomAD no frequency). This variant has not been reported in the literature in individuals affected with BRCA1-related conditions. ClinVar contains an entry for this variant (Variation ID: 409303). Invitae Evidence Modeling incorporating data from in vitro experimental studies (PMID: 30209399) indicates that this missense variant is not expected to disrupt BRCA1 function with a negative predictive value of 95%. In summary, the available evidence is currently insufficient to determine the role of this variant in disease. Therefore, it has been classified as a Variant of Uncertain Significance.

Ambry Genetics
Classification: Likely benign for Hereditary cancer-predisposing syndrome. Last evaluated: 2025-08-05. Review status: criteria provided, single submitter. Criteria: Ambry Variant Classification Scheme 2023. Collection method: clinical testing. Allele origin: germline.

Mayo Clinic Laboratories, Mayo Clinic
Classification: Likely benign. Last evaluated: 2025-04-22. Review status: criteria provided, single submitter. Criteria: ACMG Guidelines, 2015. Collection method: clinical testing. Allele origin: germline. Observed: 1 variant allele.
Comment: BS4, BP4, PM2_supporting

Fulgent Genetics
Classification: Uncertain significance for Breast-ovarian cancer, familial, susceptibility to, 1; Pancreatic cancer, susceptibility to, 4; Fanconi anemia, complementation group S. Last evaluated: 2024-06-15. Review status: criteria provided, single submitter. Criteria: ACMG Guidelines, 2015. Collection method: clinical testing. Allele origin: germline.

Counsyl
Classification: Uncertain significance for Breast-ovarian cancer, familial, susceptibility to, 1. Last evaluated: 2017-12-29. Review status: no assertion criteria provided. Collection method: clinical testing. Allele origin: unknown. Not counted in ClinVar's aggregate classification.

Brotman Baty Institute, University of Washington
No classification provided (evidence only). Condition: Breast-ovarian cancer, familial 1. Review status: no classification provided. Collection method: in vitro. Allele origin: not applicable. Functional consequence: functionally_normal. Not counted in ClinVar's aggregate classification.
ClinVar note: "not provided" was previously submitted as the classification for the variant. However, the classification appeared to be based only on an observation of functional data so it was converted to no classification on 2025-07-30.

Literature cited by the submitters: PubMed 30209399 (cited by Labcorp Genetics (formerly Invitae), Labcorp and Ambry Genetics); PubMed 19619314 (cited by Counsyl).